The following is an entry in ClinVar:

ClinVar aggregate classification (germline): Conflicting classifications of pathogenicity. Review status: criteria provided, conflicting classifications (1 of 4 stars). 6 submissions from 6 submitters: Uncertain significance (5); Benign (1). Last evaluated 2026-04-13.

Conditions:
Ehlers-Danlos syndrome (EDS). Identifiers: Orphanet 98249, MedGen C0013720, MONDO:0020066.
Ehlers-Danlos syndrome, classic type (cEDS). Identifiers: Orphanet 287, MedGen C4225429, MONDO:0007522.
Ehlers-Danlos syndrome, classic type, 1 (EDSCL1). Also called: Ehlers-Danlos Syndrome, Classic Type, COL5A1-Related; EDS I; Ehlers-Danlos syndrome, type 1; EHLERS-DANLOS SYNDROME, GRAVIS TYPE; EHLERS-DANLOS SYNDROME, SEVERE CLASSIC TYPE. Identifiers: MedGen C0268335, MONDO:0019567, OMIM 130000.

Allele frequency attached by ClinVar (database versions not stated): gnomAD exomes 0.00001; TOPMed 0.00002; ExAC 0.00002.
gnomAD v4.1: 36 of 1,614,034 alleles (0.0022%); highest among the groups gnomAD compares: Middle Eastern, 0.016%; 1 homozygote.

Submissions (6):

Women's Health and Genetics/Laboratory Corporation of America, LabCorp
Classification: Uncertain significance. Last evaluated: 2026-04-13. Review status: criteria provided, single submitter. Criteria: LabCorp Variant Classification Summary - May 2015. Collection method: clinical testing. Allele origin: germline.
Comment: Variant summary: COL5A1 c.1280C>T (p.Pro427Leu) results in a non-conservative amino acid change in the encoded protein sequence. Algorithms developed to predict the effect of missense changes on protein structure and function are either unavailable or do not agree on the potential impact of this missense change. The variant allele was found at a frequency of 1.2e-05 in 248948 control chromosomes (gnomAD). The available data on variant occurrences in the general population are insufficient to allow any conclusion about variant significance. c.1280C>T has been observed in one individual affected with Hypertrophic cardiomyopathy (Huang_2020). The report does not provide unequivocal conclusions about association of the variant with Ehlers-Danlos Syndrome, Classic Type, 1. To our knowledge, no experimental evidence demonstrating an impact on protein function has been reported. The following publication have been ascertained in the context of this evaluation (PMID: 31742804). ClinVar contains an entry for this variant (Variation ID: 529245). Based on the evidence outlined above, the variant was classified as uncertain significance.

Labcorp Genetics (formerly Invitae), Labcorp
Classification: Benign for Ehlers-Danlos syndrome, classic type, 1. Last evaluated: 2025-09-13. Review status: criteria provided, single submitter. Criteria: Invitae Variant Classification Sherloc (09022015). Collection method: clinical testing. Allele origin: germline.

Revvity Omics, Revvity
Classification: Uncertain significance. Last evaluated: 2022-09-02. Review status: criteria provided, single submitter. Criteria: ACMG Guidelines, 2015. Collection method: clinical testing. Allele origin: germline.

GeneDx
Classification: Uncertain significance. Last evaluated: 2021-03-30. Review status: criteria provided, single submitter. Criteria: GeneDx Variant Classification Process June 2021. Collection method: clinical testing. Allele origin: germline. Affected: yes.
Comment: Has not been previously published as pathogenic or benign to our knowledge; Not observed at a significant frequency in large population cohorts (Lek et al., 2016); In silico analysis supports that this missense variant has a deleterious effect on protein structure/function; Not located in the triple helical region, where the majority of pathogenic missense variants occur (Symoens et al., 2012; Stenson et al., 2014); Reported in ClinVar as a variant of uncertain significance (ClinVar Variant ID# 529245; Landrum et al., 2016)

Genome Diagnostics Laboratory, The Hospital for Sick Children
Classification: Uncertain significance for Ehlers-Danlos syndrome. Last evaluated: 2020-01-01. Review status: criteria provided, single submitter. Criteria: ACMG Guidelines, 2015. Collection method: clinical testing. Allele origin: germline.

Fulgent Genetics
Classification: Uncertain significance for Ehlers-Danlos syndrome, classic type, 1. Last evaluated: 2018-10-31. Review status: criteria provided, single submitter. Criteria: ACMG Guidelines, 2015. Collection method: clinical testing. Allele origin: unknown.

Literature cited by the submitters: PubMed 31742804 (cited by Women's Health and Genetics/Laboratory Corporation of America, LabCorp).

NM_000093.5(COL5A1):c.1280C>T (p.Pro427Leu)

Gene: COL5A1 (collagen type V alpha 1 chain; plus strand). Cytogenetic location: 9q34.3.
Variant type: single nucleotide variant.
Coding change: c.1280C>T on transcript NM_000093.5 (MANE Select); coding-DNA position 1280, C replaced by T.
Protein change: p.Pro427Leu; replaces proline 427 with leucine.
Molecular consequence: missense variant.
Genome position (GRCh38, 1-based): chr9:134,731,611, C>T. VCF-style: chr9-134731611-C-T. GRCh37 (hg19) VCF-style: chr9-137623457-C-T.
Other names: c.1280C>T, p.Pro427Leu (NM_001278074.1); c.1280C>T (NM_000093.3); short protein forms P427L.
Identifiers: ClinVar variation 529245 (VCV000529245.18), dbSNP rs751337133, ClinGen allele CA5318698.